The following is an entry in ClinVar:

NM_001042492.3(NF1):c.721G>T (p.Asp241Tyr)

Gene: NF1 (neurofibromin 1; plus strand). Cytogenetic location: 17q11.2.
Variant type: single nucleotide variant.
Coding change: c.721G>T on transcript NM_001042492.3 (MANE Select); coding-DNA position 721, G replaced by T.
Protein change: p.Asp241Tyr; replaces aspartic acid 241 with tyrosine.
Molecular consequence: missense variant.
Genome position (GRCh38, 1-based): chr17:31,181,776, G>T. VCF-style: chr17-31181776-G-T. GRCh37 (hg19) VCF-style: chr17-29508794-G-T.
Other names: c.721G>T, p.Asp241Tyr (NM_000267.4, NM_001128147.3); short protein forms D241Y.
Identifiers: ClinVar variation 1757770 (VCV001757770.2), dbSNP rs2066139718, ClinGen allele CA398990182.

ClinVar aggregate classification (germline): Uncertain significance (1 of 4 stars; one submission).

Conditions:
Hereditary cancer-predisposing syndrome. Also called: Neoplastic Syndromes, Hereditary; Tumor predisposition; Hereditary Cancer Syndrome; Hereditary neoplastic syndrome. Identifiers: Orphanet 140162, MedGen C0027672, MeSH D009386, MONDO:0015356.
Cardiovascular phenotype. Identifiers: MedGen CN230736.

Submission:

Ambry Genetics
Classification: Uncertain significance for Cardiovascular phenotype; Hereditary cancer-predisposing syndrome. Last evaluated: 2021-07-16. Review status: criteria provided, single submitter. Criteria: Ambry Variant Classification Scheme 2023. Collection method: clinical testing. Allele origin: germline.
Comment: The p.D241Y variant (also known as c.721G>T), located in coding exon 7 of the NF1 gene, results from a G to T substitution at nucleotide position 721. The aspartic acid at codon 241 is replaced by tyrosine, an amino acid with highly dissimilar properties. This amino acid position is highly conserved in available vertebrate species. In addition, this alteration is predicted to be deleterious by in silico analysis. Since supporting evidence is limited at this time, the clinical significance of this alteration remains unclear.